The following is an entry in ClinVar:

ClinVar aggregate classification (germline): Uncertain significance (1 of 4 stars; one submission).

Conditions:
Long QT syndrome (LQTS). Identifiers: MedGen C0023976, MeSH D008133, MONDO:0002442. Disease mechanism: loss of function. Inheritance: Various modes of inheritance.

Submission:

Labcorp Genetics (formerly Invitae), Labcorp
Classification: Uncertain significance for Long QT syndrome. Last evaluated: 2025-05-05. Review status: criteria provided, single submitter. Criteria: Invitae Variant Classification Sherloc (09022015). Collection method: clinical testing. Allele origin: germline.
Comment: This sequence change replaces serine, which is neutral and polar, with asparagine, which is neutral and polar, at codon 31 of the ANK2 protein (p.Ser31Asn). This variant is not present in population databases (gnomAD no frequency). This variant has not been reported in the literature in individuals affected with ANK2-related conditions. Invitae Evidence Modeling of protein sequence and biophysical properties (such as structural, functional, and spatial information, amino acid conservation, physicochemical variation, residue mobility, and thermodynamic stability) indicates that this missense variant is not expected to disrupt ANK2 protein function with a negative predictive value of 80%. In summary, the available evidence is currently insufficient to determine the role of this variant in disease. Therefore, it has been classified as a Variant of Uncertain Significance.

NM_001148.6(ANK2):c.92G>A (p.Ser31Asn)

Gene: ANK2 (ankyrin 2; plus strand). Cytogenetic location: 4q25.
Variant type: single nucleotide variant.
Coding change: c.92G>A on transcript NM_001148.6 (MANE Select); coding-DNA position 92, G replaced by A.
Protein change: p.Ser31Asn; replaces serine 31 with asparagine.
Molecular consequence: missense variant.
Genome position (GRCh38, 1-based): chr4:113,174,423, G>A. VCF-style: chr4-113174423-G-A. GRCh37 (hg19) VCF-style: chr4-114095579-G-A.
Other names: c.29G>A, p.Ser10Asn (NM_001127493.3, NM_001354239.2, NM_001354243.2 and 33 more transcripts); c.92G>A, p.Ser31Asn (NM_001354225.2, NM_001354228.2, NM_001354232.2 and 9 more transcripts); c.137G>A, p.Ser46Asn (NM_001354230.2, NM_001354231.2, NM_001354237.2 and 5 more transcripts); c.74G>A, p.Ser25Asn (NM_001354261.2, NM_001386147.1, NM_001386160.1); c.80G>A, p.Ser27Asn (NM_001354269.3, NM_001386148.2, NM_001386186.2 and 1 more transcripts); c.143G>A, p.Ser48Asn (NM_001386174.1, NM_001386175.1); short protein forms S10N, S25N, S46N, S27N, S48N, S31N.
Identifiers: ClinVar variation 4741049 (VCV004741049.1).